The following is an entry in ClinVar:

ClinVar aggregate classification (germline): Uncertain significance. Review status: criteria provided, multiple submitters, no conflicts (2 of 4 stars). 4 submissions from 4 submitters: Uncertain significance (3). 1 of the submissions does not count toward it. Last evaluated 2026-04-23.

Conditions:
Inborn genetic diseases. Identifiers: MedGen C0950123, MeSH D030342.
Usher syndrome type 1F (USH1F). Also called: USHER SYNDROME, TYPE IF. Identifiers: Orphanet 231169, Orphanet 886, MedGen C1865885, MONDO:0011186, OMIM 602083.

Allele frequency attached by ClinVar (database versions not stated): gnomAD 0.00002; gnomAD exomes 0.00003 and 0.00006; 1000 Genomes Project 0.00060; 1000 Genomes Project 30x 0.00047; ExAC 0.00007.
gnomAD v4.1: 45 of 1,614,044 alleles (0.0028%); highest among the groups gnomAD compares: South Asian, 0.046%; no homozygotes.

Submissions (4):

GeneDx
Classification: Uncertain significance. Last evaluated: 2026-04-23. Review status: criteria provided, single submitter. Criteria: GeneDx Variant Classification Process June 2021. Collection method: clinical testing. Allele origin: germline.
Comment: In silico analysis supports that this missense variant has a deleterious effect on protein structure/function; Has not been previously published as pathogenic or benign to our knowledge

Ambry Genetics
Classification: Uncertain significance for Inborn genetic diseases. Last evaluated: 2025-02-08. Review status: criteria provided, single submitter. Criteria: Ambry Variant Classification Scheme 2023. Collection method: clinical testing. Allele origin: germline.

Labcorp Genetics (formerly Invitae), Labcorp
Classification: Uncertain significance. Last evaluated: 2022-09-13. Review status: criteria provided, single submitter. Criteria: Invitae Variant Classification Sherloc (09022015). Collection method: clinical testing. Allele origin: germline.
Comment: This sequence change replaces aspartic acid, which is acidic and polar, with valine, which is neutral and non-polar, at codon 1518 of the PCDH15 protein (p.Asp1518Val). This variant is present in population databases (rs528484622, gnomAD 0.05%). This variant has not been reported in the literature in individuals affected with PCDH15-related conditions. ClinVar contains an entry for this variant (Variation ID: 846346). Algorithms developed to predict the effect of missense changes on protein structure and function are either unavailable or do not agree on the potential impact of this missense change (SIFT: "Tolerated"; PolyPhen-2: "Possibly Damaging"; Align-GVGD: "Class C0"). In summary, the available evidence is currently insufficient to determine the role of this variant in disease. Therefore, it has been classified as a Variant of Uncertain Significance.

Natera, Inc.
Classification: Uncertain significance for Usher syndrome type 1F. Last evaluated: 2020-04-16. Review status: no assertion criteria provided. Collection method: clinical testing. Allele origin: germline. Not counted in ClinVar's aggregate classification.

NM_033056.4(PCDH15):c.4553A>T (p.Asp1518Val)

Gene: PCDH15 (protocadherin related 15; minus strand). Cytogenetic location: 10q21.1.
Variant type: single nucleotide variant.
Coding change: c.4553A>T on transcript NM_033056.4 (MANE Plus Clinical); coding-DNA position 4553, A replaced by T.
Protein change: p.Asp1518Val; replaces aspartic acid 1518 with valine.
Molecular consequence: missense variant. On other transcripts: intron variant (8).
Genome position (GRCh38, 1-based): chr10:53,823,173, T>A on the plus strand (A>T on the coding strand, the complement: PCDH15 is on the minus strand). VCF-style: chr10-53823173-T-A. GRCh37 (hg19) VCF-style: chr10-55582933-T-A.
Other names: c.4574A>T, p.Asp1525Val (NM_001142763.2); c.4559A>T, p.Asp1520Val (NM_001142764.2); c.4346A>T, p.Asp1449Val (NM_001142765.2); c.4544A>T, p.Asp1515Val (NM_001142766.2); c.4433A>T, p.Asp1478Val (NM_001142767.2); c.4493A>T, p.Asp1498Val (NM_001142768.2); c.4484A>T, p.Asp1495Val (NM_001142773.2); c.4487A>T, p.Asp1496Val (NM_001354404.2); and 6 more; short protein forms D1515V, D1518V, D1525V, D1449V, D1520V, D1478V, D1495V, D1496V.
Identifiers: ClinVar variation 846346 (VCV000846346.7), dbSNP rs528484622, ClinGen allele CA5505249.